The following is an entry in ClinVar:

ClinVar aggregate classification (germline): Uncertain significance (1 of 4 stars; one submission).

Allele frequency attached by ClinVar (database versions not stated): gnomAD exomes below 0.00001.
gnomAD v4.1: 3 of 1,614,156 alleles (0.00019%); highest among the groups gnomAD compares: Non-Finnish European, 0.00017%; no homozygotes.

Submission:

Ambry Genetics
Classification: Uncertain significance. Last evaluated: 2023-10-10. Review status: criteria provided, single submitter. Criteria: Ambry Variant Classification Scheme 2023. Collection method: clinical testing. Allele origin: germline.
Comment: The p.I119V variant (also known as c.355A>G), located in coding exon 3 of the KIF1B gene, results from an A to G substitution at nucleotide position 355. The isoleucine at codon 119 is replaced by valine, an amino acid with highly similar properties. This amino acid position is conserved. In addition, the in silico prediction for this alteration is inconclusive. Since supporting evidence is limited at this time, the clinical significance of this alteration remains unclear.

NM_001365951.3(KIF1B):c.355A>G (p.Ile119Val)

Gene: KIF1B (kinesin family member 1B; plus strand). Cytogenetic location: 1p36.22.
Variant type: single nucleotide variant.
Coding change: c.355A>G on transcript NM_001365951.3 (MANE Select); coding-DNA position 355, A replaced by G.
Protein change: p.Ile119Val; replaces isoleucine 119 with valine.
Molecular consequence: missense variant.
Genome position (GRCh38, 1-based): chr1:10,258,664, A>G. VCF-style: chr1-10258664-A-G. GRCh37 (hg19) VCF-style: chr1-10318722-A-G.
Other names: c.355A>G, p.Ile119Val (NM_001365952.1, NM_001365953.1, NM_015074.3 and 1 more transcripts); short protein forms I119V.
Identifiers: ClinVar variation 3226467 (VCV003226467.1), dbSNP rs2523466011, ClinGen allele CA338325755.
Genomic context (GRCh38, chr1:10,258,664, plus strand): 5'-ACTGGTGCTGGAAAATCTTATACAATGATGGGTAAACAAGAAGAAAGCCAGGCTGGCATC[A>G]TTCCACAGGTGAAAAACAAAACAAAACAAAAATCTTCTCTTCATTATTAGTGTTAGTCTT-3'
Protein context (NP_001352880.1, residues 109-129): GKQEESQAGI[Ile119Val]PQLCEELFEK